The following is an entry in ClinVar:

ClinVar aggregate classification (germline): Likely benign (1 of 4 stars; one submission).

Allele frequency attached by ClinVar (database versions not stated): ExAC 0.00001; gnomAD exomes 0.00001.
gnomAD v4.1: 15 of 1,613,788 alleles (0.00093%); highest among the groups gnomAD compares: Non-Finnish European, 0.0012%; no homozygotes.

Submission:

CeGaT Center for Human Genetics Tuebingen
Classification: Likely benign. Last evaluated: 2023-09-01. Review status: criteria provided, single submitter. Criteria: CeGaT Center For Human Genetics Tuebingen Variant Classification Criteria Version 2. Collection method: clinical testing. Allele origin: germline. Affected: yes. Observed: 1 variant allele.
Comment: MAGEL2: BP4

NM_019066.5(MAGEL2):c.2579C>T (p.Ala860Val)

Gene: MAGEL2 (MAGE family member L2; minus strand). Cytogenetic location: 15q11.2.
Variant type: single nucleotide variant.
Coding change: c.2579C>T on transcript NM_019066.5 (MANE Select); coding-DNA position 2579, C replaced by T.
Protein change: p.Ala860Val; replaces alanine 860 with valine.
Molecular consequence: missense variant.
Genome position (GRCh38, 1-based): chr15:23,645,164, G>A on the plus strand (C>T on the coding strand, the complement: MAGEL2 is on the minus strand). VCF-style: chr15-23645164-G-A. GRCh37 (hg19) VCF-style: chr15-23890311-G-A.
Other names: short protein forms A860V.
Identifiers: ClinVar variation 2644984 (VCV002644984.24), dbSNP rs760611000, ClinGen allele CA7429875.
Genomic context (GRCh38, chr15:23,645,164, plus strand): 5'-CGTGGCGGCTCGACGGAGGTCTTGGAGGCCTCTTGAGTGGTGGCAGTTGCCTGGGGGGCA[G>A]CTGCTGTAGCCATCAGGAAGGTGGGCACTGCCTGCGATGCCTTTGAGGCATTCATATTGG-3'
Protein context (NP_061939.3, residues 850-870): AVPTFLMATA[Ala860Val]APQATATTQE